The following is an entry in ClinVar:

NM_007294.4(BRCA1):c.4921G>T (p.Ala1641Ser)

Gene: BRCA1 (BRCA1 DNA repair associated; minus strand). Cytogenetic location: 17q21.31.
Variant type: single nucleotide variant.
Coding change: c.4921G>T on transcript NM_007294.4 (MANE Select); coding-DNA position 4921, G replaced by T.
Protein change: p.Ala1641Ser; replaces alanine 1641 with serine.
Molecular consequence: missense variant. On other transcripts: non-coding transcript variant (1).
Genome position (GRCh38, 1-based): chr17:43,070,993, C>A on the plus strand (G>T on the coding strand, the complement: BRCA1 is on the minus strand). VCF-style: chr17-43070993-C-A. GRCh37 (hg19) VCF-style: chr17-41223010-C-A.
Other names: c.4837G>T, p.Ala1613Ser (NM_001407662.1, NM_001407663.1, NM_001407660.1 and 2 more transcripts); c.4798G>T, p.Ala1600Ser (NM_001407664.1, NM_001407665.1, NM_001407666.1 and 6 more transcripts); c.4795G>T, p.Ala1599Ser (NM_001407679.1, NM_001407680.1, NM_001407939.1 and 11 more transcripts); c.4792G>T, p.Ala1598Ser (NM_001407681.1, NM_001407682.1, NM_001407683.1 and 6 more transcripts); c.4921G>T, p.Ala1641Ser (NM_001407684.1, NM_001407854.1, NM_001407593.1 and 8 more transcripts); c.4780G>T, p.Ala1594Ser (NM_001407724.1, NM_001407725.1, NM_001407726.1 and 13 more transcripts); c.4777G>T, p.Ala1593Ser (NM_001407732.1, NM_001407743.1, NM_001407744.1 and 21 more transcripts); c.4774G>T, p.Ala1592Ser (NM_001407848.1, NM_001407849.1, NM_001407850.1 and 12 more transcripts); and 70 more; short protein forms A1641S, A1662S, A537S, A1594S, A1472S, A1487S, A1514S, A1569S.
Identifiers: ClinVar variation 868409 (VCV000868409.4), dbSNP rs1800726, ClinGen allele CA10591679.

ClinVar aggregate classification (germline): Likely benign (1 of 4 stars; one submission).

Conditions:
Familial cancer of breast. Also called: BREAST CANCER, FAMILIAL; Hereditary breast cancer; hereditary breast carcinoma. Identifiers: Orphanet 227535, MedGen C0346153, MONDO:0016419, OMIM 114480. Disease mechanism: loss of function.

Submissions (2):

MGZ Medical Genetics Center
Classification: Likely benign for Familial cancer of breast. Last evaluated: 2024-02-09. Review status: criteria provided, single submitter. Criteria: CSpec BRCA1/2ACMG Rules Specifications V1.1.0. Collection method: clinical testing. Allele origin: germline. Affected: yes.
Comment: ACMG codes applied following ENIGMA VCEP rules: BP1_STR, PM2_SUP

Brotman Baty Institute, University of Washington
No classification provided (evidence only). Condition: Breast-ovarian cancer, familial 1. Review status: no classification provided. Collection method: in vitro. Allele origin: not applicable. Functional consequence: function_uncertain_variant. Not counted in ClinVar's aggregate classification.
ClinVar note: "not provided" was previously submitted as the classification for the variant. However, the classification appeared to be based only on an observation of functional data so it was converted to no classification on 2025-07-30.